The following is an entry in ClinVar:

ClinVar aggregate classification (germline): Uncertain significance (1 of 4 stars; one submission).

Allele frequency attached by ClinVar (database versions not stated): gnomAD exomes below 0.00001; TOPMed below 0.00001; gnomAD 0.00001.
gnomAD v4.1: 4 of 1,613,496 alleles (0.00025%); highest among the groups gnomAD compares: Admixed American, 0.005%; no homozygotes.

Submission:

GeneDx
Classification: Uncertain significance. Last evaluated: 2020-10-16. Review status: criteria provided, single submitter. Criteria: GeneDx Variant Classification Process June 2021. Collection method: clinical testing. Allele origin: germline. Affected: yes.
Comment: Not observed at a significant frequency in large population cohorts (Lek et al., 2016); In silico analysis supports that this missense variant does not alter protein structure/function; Has not been previously published as pathogenic or benign to our knowledge

NM_020436.5(SALL4):c.893A>G (p.Asn298Ser)

Gene: SALL4 (spalt like transcription factor 4; minus strand). Cytogenetic location: 20q13.2.
Variant type: single nucleotide variant.
Coding change: c.893A>G on transcript NM_020436.5 (MANE Select); coding-DNA position 893, A replaced by G.
Protein change: p.Asn298Ser; replaces asparagine 298 with serine.
Molecular consequence: missense variant.
Genome position (GRCh38, 1-based): chr20:51,791,590, T>C on the plus strand (A>G on the coding strand, the complement: SALL4 is on the minus strand). VCF-style: chr20-51791590-T-C. GRCh37 (hg19) VCF-style: chr20-50408129-T-C.
Other names: c.893A>G, p.Asn298Ser (NM_001318031.2); short protein forms N298S.
Identifiers: ClinVar variation 1302949 (VCV001302949.2), dbSNP rs1568865196, ClinGen allele CA409015162.